The following is an entry in ClinVar:

ClinVar aggregate classification (germline): Uncertain significance (1 of 4 stars; one submission).

Conditions:
Spinal muscular atrophy with lower extremity predominance. Also called: Autosomal dominant childhood-onset proximal spinal muscular atrophy. Identifiers: Orphanet 363447, MedGen C1834690, MONDO:0018190.
Cortical dysplasia, complex, with other brain malformations 13. Also called: Intellectual disability, autosomal dominant 13. Identifiers: MedGen C3281202, MONDO:0013805, OMIM 614563.
Charcot-Marie-Tooth disease axonal type 2O. Also called: CHARCOT-MARIE-TOOTH NEUROPATHY, AXONAL, TYPE 2O; CHARCOT-MARIE-TOOTH DISEASE, AXONAL, AUTOSOMAL DOMINANT, TYPE 2O; Charcot-Marie-Tooth Neuropathy Type 2O; Charcot-Marie-Tooth disease, axonal, type 20. Identifiers: Orphanet 284232, MedGen C3280220, MONDO:0013644, OMIM 614228.

gnomAD v4.1: 5 of 1,614,080 alleles (0.00031%); highest among the groups gnomAD compares: East Asian, 0.0045%; no homozygotes.

Submission:

Labcorp Genetics (formerly Invitae), Labcorp
Classification: Uncertain significance for Charcot-Marie-Tooth disease axonal type 2O. Last evaluated: 2023-03-19. Review status: criteria provided, single submitter. Criteria: Invitae Variant Classification Sherloc (09022015). Collection method: clinical testing. Allele origin: germline.
Comment: This sequence change affects codon 3934 of the DYNC1H1 mRNA. It is a 'silent' change, meaning that it does not change the encoded amino acid sequence of the DYNC1H1 protein. This variant is present in population databases (rs151307859, gnomAD 0.006%). This variant has not been reported in the literature in individuals affected with DYNC1H1-related conditions. ClinVar contains an entry for this variant (Variation ID: 2147319). Algorithms developed to predict the effect of sequence changes on RNA splicing suggest that this variant may create or strengthen a splice site. In summary, the available evidence is currently insufficient to determine the role of this variant in disease. Therefore, it has been classified as a Variant of Uncertain Significance.

NM_001376.5(DYNC1H1):c.11802G>T (p.Ala3934=)

Gene: DYNC1H1 (dynein cytoplasmic 1 heavy chain 1; plus strand). Cytogenetic location: 14q32.31.
Variant type: single nucleotide variant.
Coding change: c.11802G>T on transcript NM_001376.5 (MANE Select); coding-DNA position 11802, G replaced by T.
Protein change: p.Ala3934=; no amino-acid change (alanine 3934 retained).
Molecular consequence: synonymous variant.
Genome position (GRCh38, 1-based): chr14:102,040,347, G>T. VCF-style: chr14-102040347-G-T. GRCh37 (hg19) VCF-style: chr14-102506684-G-T.
Identifiers: ClinVar variation 2147319 (VCV002147319.5), dbSNP rs151307859, ClinGen allele CA7353726.